The following is an entry in ClinVar:

NM_007294.4(BRCA1):c.4986+8T>A

Gene: BRCA1 (BRCA1 DNA repair associated; minus strand). Cytogenetic location: 17q21.31.
Variant type: single nucleotide variant.
Coding change: c.4986+8T>A on transcript NM_007294.4 (MANE Select); 8 bases into the intron after coding-DNA position 4986, T replaced by A.
Molecular consequence: intron variant.
Genome position (GRCh38, 1-based): chr17:43,070,920, A>T on the plus strand (T>A on the coding strand, the complement: BRCA1 is on the minus strand). VCF-style: chr17-43070920-A-T. GRCh37 (hg19) VCF-style: chr17-41222937-A-T.
Other names: c.1533+8T>A (NM_001408458.1, NM_001408461.1, NM_001408464.1 and 7 more transcripts); c.4095+8T>A (NM_001407967.1); c.4605+8T>A (NM_001407959.1); c.4719+8T>A (NM_001407931.1, NM_001407932.1, NM_001407928.1 and 4 more transcripts); c.4842+8T>A (NM_001407747.1, NM_001407745.1, NM_001407737.1 and 21 more transcripts); c.4602+8T>A (NM_001407962.1, NM_001407960.1); c.1173+8T>A (NM_001408512.1); c.1296+8T>A (NM_001408510.1); and 71 more.
Identifiers: ClinVar variation 865494 (VCV000865494.3), dbSNP rs2052351866, ClinGen allele CA916080189.

Conditions:
Breast-ovarian cancer, familial, susceptibility to, 1 (BROVCA1). Also called: BRCA1 Hereditary Breast and Ovarian Cancer; OVARIAN CANCER, SUSCEPTIBILITY TO. Identifiers: Orphanet 145, MedGen C2676676, MONDO:0011450, OMIM 604370. Disease mechanism: loss of function.

Submission:

Brotman Baty Institute, University of Washington
No classification provided (evidence only). Condition: Breast-ovarian cancer, familial 1. Review status: no classification provided. Collection method: in vitro. Allele origin: not applicable. Functional consequence: functionally_normal.
ClinVar note: "not provided" was previously submitted as the classification for the variant. However, the classification appeared to be based only on an observation of functional data so it was converted to no classification on 2025-07-30.